The following is an entry in ClinVar:

ClinVar aggregate classification (germline): Uncertain significance (1 of 4 stars; one submission).

Conditions:
Deafness-lymphedema-leukemia syndrome. Also called: Emberger syndrome; Lymphedema, primary, with myelodysplasia. Identifiers: Orphanet 3226, MedGen C3279664, MONDO:0013540, OMIM 614038.
Monocytopenia with susceptibility to infections. Also called: GATA2 DEFICIENCY; MONOCYTOPENIA AND MYCOBACTERIAL INFECTION SYNDROME; MONOCYTOPENIA WITH SUSCEPTIBILITY TO MYCOBACTERIAL, FUNGAL, AND PAPILLOMAVIRUS INFECTIONS AND MYELODYSPLASIA; COMBINED IMMUNODEFICIENCY WITH SUSCEPTIBILITY TO MYCOBACTERIAL, VIRAL, AND FUNGAL INFECTIONS; Dendritic cell, monocyte, B lymphocyte, and natural killer lymphocyte deficiency; IMMUNODEFICIENCY 21. Identifiers: Orphanet 228423, MedGen C3280030, MONDO:0013607, OMIM 614172.

Submission:

Labcorp Genetics (formerly Invitae), Labcorp
Classification: Uncertain significance for Monocytopenia with susceptibility to infections; Deafness-lymphedema-leukemia syndrome. Last evaluated: 2023-10-10. Review status: criteria provided, single submitter. Criteria: Invitae Variant Classification Sherloc (09022015). Collection method: clinical testing. Allele origin: germline.
Comment: This sequence change replaces proline, which is neutral and non-polar, with leucine, which is neutral and non-polar, at codon 445 of the GATA2 protein (p.Pro445Leu). This variant is not present in population databases (gnomAD no frequency). This variant has not been reported in the literature in individuals affected with GATA2-related conditions. Advanced modeling of protein sequence and biophysical properties (such as structural, functional, and spatial information, amino acid conservation, physicochemical variation, residue mobility, and thermodynamic stability) performed at Invitae indicates that this missense variant is expected to disrupt GATA2 protein function. In summary, the available evidence is currently insufficient to determine the role of this variant in disease. Therefore, it has been classified as a Variant of Uncertain Significance.

NM_032638.5(GATA2):c.1334C>T (p.Pro445Leu)

Gene: GATA2 (GATA binding protein 2; minus strand). Cytogenetic location: 3q21.3.
Variant type: single nucleotide variant.
Coding change: c.1334C>T on transcript NM_032638.5 (MANE Select); coding-DNA position 1334, C replaced by T.
Protein change: p.Pro445Leu; replaces proline 445 with leucine.
Molecular consequence: missense variant.
Genome position (GRCh38, 1-based): chr3:128,481,128, G>A on the plus strand (C>T on the coding strand, the complement: GATA2 is on the minus strand). VCF-style: chr3-128481128-G-A. GRCh37 (hg19) VCF-style: chr3-128199971-G-A.
Other names: c.1334C>T, p.Pro445Leu (NM_001145661.2); c.1292C>T, p.Pro431Leu (NM_001145662.1); short protein forms P445L, P431L.
Identifiers: ClinVar variation 2931580 (VCV002931580.3), dbSNP rs976064371, ClinGen allele CA83376225.